The following is an entry in ClinVar:

NM_000090.4(COL3A1):c.1293+2dup

Gene: COL3A1 (collagen type III alpha 1 chain; plus strand). Cytogenetic location: 2q32.2.
Variant type: Duplication.
Coding change: c.1293+2dup on transcript NM_000090.4 (MANE Select); the canonical splice donor site of the intron after coding-DNA position 1293, one base duplicated (T; older notation c.1293+2dupT).
Molecular consequence: splice donor variant.
Genome position (GRCh38, 1-based): chr2:188,994,334, T duplicated. VCF-style (leftmost placement, unchanged base first): chr2-188994333-G-GT. GRCh37 (hg19) VCF-style: chr2-189859059-G-GT.
Identifiers: ClinVar variation 5039448 (VCV005039448.1).

ClinVar aggregate classification (germline): Uncertain significance (1 of 4 stars; one submission).

Submission:

CeGaT Center for Human Genetics Tuebingen
Classification: Uncertain significance. Last evaluated: 2026-08-01. Review status: criteria provided, single submitter. Criteria: CeGaT Center For Human Genetics Tuebingen Variant Classification Criteria Version 2. Collection method: clinical testing. Allele origin: germline. Affected: yes. Observed: 1 variant allele.
Comment: COL3A1: PM2, PS4:Supporting